The following is an entry in ClinVar:

ClinVar aggregate classification (germline): Conflicting classifications of pathogenicity. Review status: criteria provided, conflicting classifications (1 of 4 stars). 8 submissions from 8 submitters: Uncertain significance (7); Likely benign (1). Last evaluated 2026-10-02.

Conditions:
Inborn genetic diseases. Identifiers: MedGen C0950123, MeSH D030342.
Mitochondrial DNA depletion syndrome, myopathic form (MTDPS2). Also called: TK2-Related Mitochondrial DNA Maintenance Defect, Myopathic Form; MITOCHONDRIAL DNA DEPLETION SYNDROME 2 (MYOPATHIC TYPE); MITOCHONDRIAL DNA DEPLETION MYOPATHY, TK2-RELATED. Identifiers: Orphanet 254875, MedGen C3149750, MONDO:0012301, OMIM 609560.

Allele frequency attached by ClinVar (database versions not stated): TOPMed 0.00011; gnomAD 0.00015.
gnomAD v4.1: 387 of 1,614,024 alleles (0.024%); highest among the groups gnomAD compares: Non-Finnish European, 0.031%; no homozygotes.

Submissions (8):

GeneDx
Classification: Uncertain significance. Last evaluated: 2026-10-02. Review status: criteria provided, single submitter. Criteria: GeneDx Variant Classification Process June 2021. Collection method: clinical testing. Allele origin: germline.
Comment: In silico analysis supports that this missense variant has a deleterious effect on protein structure/function; Has not been previously published as pathogenic or benign to our knowledge

Blueprint Genetics
Classification: Uncertain significance. Last evaluated: 2024-10-16. Review status: criteria provided, single submitter. Criteria: ACMG Guidelines, 2015. Collection method: clinical testing. Allele origin: germline.

Ambry Genetics
Classification: Uncertain significance for Inborn genetic diseases. Last evaluated: 2024-04-09. Review status: criteria provided, single submitter. Criteria: Ambry Variant Classification Scheme 2023. Collection method: clinical testing. Allele origin: germline.

Mayo Clinic Laboratories, Mayo Clinic
Classification: Uncertain significance. Last evaluated: 2023-09-14. Review status: criteria provided, single submitter. Criteria: ACMG Guidelines, 2015. Collection method: clinical testing. Allele origin: germline. Observed: 3 variant alleles.

Labcorp Genetics (formerly Invitae), Labcorp
Classification: Uncertain significance. Last evaluated: 2022-11-01. Review status: criteria provided, single submitter. Criteria: Invitae Variant Classification Sherloc (09022015). Collection method: clinical testing. Allele origin: germline.
Comment: This sequence change replaces proline, which is neutral and non-polar, with leucine, which is neutral and non-polar, at codon 227 of the TK2 protein (p.Pro227Leu). This variant is present in population databases (rs754140768, gnomAD 0.02%). This variant has not been reported in the literature in individuals affected with TK2-related conditions. ClinVar contains an entry for this variant (Variation ID: 215268). Algorithms developed to predict the effect of missense changes on protein structure and function are either unavailable or do not agree on the potential impact of this missense change (SIFT: "Deleterious"; PolyPhen-2: "Possibly Damaging"; Align-GVGD: "Class C0"). In summary, the available evidence is currently insufficient to determine the role of this variant in disease. Therefore, it has been classified as a Variant of Uncertain Significance.

CeGaT Center for Human Genetics Tuebingen
Classification: Likely benign. Last evaluated: 2022-08-01. Review status: criteria provided, single submitter. Criteria: CeGaT Center For Human Genetics Tuebingen Variant Classification Criteria Version 2. Collection method: clinical testing. Allele origin: germline. Affected: yes. Observed: 1 variant allele.
Comment: TK2: BS1

Illumina Laboratory Services, Illumina
Classification: Uncertain significance for Mitochondrial DNA depletion syndrome, myopathic form. Last evaluated: 2018-01-12. Review status: criteria provided, single submitter. Criteria: ICSL Variant Classification Criteria 13 December 2019. Collection method: clinical testing. Allele origin: germline.

Eurofins Ntd Llc (ga)
Classification: Uncertain significance. Last evaluated: 2017-02-08. Review status: criteria provided, single submitter. Criteria: EGL Classification Definitions 2015. Collection method: clinical testing. Allele origin: germline. Observed: 2 variant alleles, 1 heterozygote, 1 homozygote.

NM_004614.5(TK2):c.680C>T (p.Pro227Leu)

Gene: TK2 (thymidine kinase 2; minus strand). Cytogenetic location: 16q21.
Variant type: single nucleotide variant.
Coding change: c.680C>T on transcript NM_004614.5 (MANE Select); coding-DNA position 680, C replaced by T.
Protein change: p.Pro227Leu; replaces proline 227 with leucine.
Molecular consequence: missense variant. On other transcripts: non-coding transcript variant (1).
Genome position (GRCh38, 1-based): chr16:66,513,750, G>A on the plus strand (C>T on the coding strand, the complement: TK2 is on the minus strand). VCF-style: chr16-66513750-G-A. GRCh37 (hg19) VCF-style: chr16-66547653-G-A.
Other names: p.P227L:CCC>CTC; p.Pro227Leu; c.587C>T, p.Pro196Leu (NM_001172643.1); c.605C>T, p.Pro202Leu (NM_001172644.2); c.626C>T, p.Pro209Leu (NM_001172645.2); c.533C>T, p.Pro178Leu (NM_001271934.2); c.418C>T, p.Pro140Ser (NM_001271935.1); c.389C>T, p.Pro130Leu (NM_001272050.2); short protein forms P227L, P202L, P196L, P209L, P130L, P140S, P178L.
Identifiers: ClinVar variation 215268 (VCV000215268.50), dbSNP rs754140768, ClinGen allele CA322760.